The following is an entry in ClinVar:

NM_000222.3(KIT):c.442C>T (p.Leu148Phe)

Gene: KIT (KIT proto-oncogene, receptor tyrosine kinase; plus strand). Cytogenetic location: 4q12.
Variant type: single nucleotide variant.
Coding change: c.442C>T on transcript NM_000222.3 (MANE Select); coding-DNA position 442, C replaced by T.
Protein change: p.Leu148Phe; replaces leucine 148 with phenylalanine.
Molecular consequence: missense variant.
Genome position (GRCh38, 1-based): chr4:54,698,388, C>T. VCF-style: chr4-54698388-C-T. GRCh37 (hg19) VCF-style: chr4-55564554-C-T.
Other names: c.442C>T, p.Leu148Phe (NM_001093772.2, NM_001385284.1, NM_001385285.1 and 4 more transcripts); short protein forms L148F.
Identifiers: ClinVar variation 3288754 (VCV003288754.1).

ClinVar aggregate classification (germline): Uncertain significance (1 of 4 stars; one submission).

Conditions:
Hereditary cancer-predisposing syndrome. Also called: Tumor predisposition; Hereditary Cancer Syndrome; Hereditary neoplastic syndrome; Neoplastic Syndromes, Hereditary. Identifiers: Orphanet 140162, MedGen C0027672, MeSH D009386, MONDO:0015356.

Submission:

Ambry Genetics
Classification: Uncertain significance for Hereditary cancer-predisposing syndrome. Last evaluated: 2024-05-06. Review status: criteria provided, single submitter. Criteria: Ambry Variant Classification Scheme 2023. Collection method: clinical testing. Allele origin: germline.
Comment: The p.L148F variant (also known as c.442C>T), located in coding exon 3 of the KIT gene, results from a C to T substitution at nucleotide position 442. The leucine at codon 148 is replaced by phenylalanine, an amino acid with highly similar properties. This amino acid position is conserved. In addition, the in silico prediction for this alteration is inconclusive. Based on the available evidence, the clinical significance of this variant remains unclear.